The following is an entry in ClinVar:

NM_152703.5(SAMD9L):c.2498T>C (p.Leu833Ser)

Gene: SAMD9L (sterile alpha motif domain containing 9 like; minus strand). Cytogenetic location: 7q21.2.
Variant type: single nucleotide variant.
Coding change: c.2498T>C on transcript NM_152703.5 (MANE Select); coding-DNA position 2498, T replaced by C.
Protein change: p.Leu833Ser; replaces leucine 833 with serine.
Molecular consequence: missense variant.
Genome position (GRCh38, 1-based): chr7:93,133,474, A>G on the plus strand (T>C on the coding strand, the complement: SAMD9L is on the minus strand). VCF-style: chr7-93133474-A-G. GRCh37 (hg19) VCF-style: chr7-92762787-A-G.
Other names: c.2498T>C, p.Leu833Ser (NM_001303496.3, NM_001303497.3, NM_001303498.3 and 5 more transcripts); short protein forms L833S.
Identifiers: ClinVar variation 4159321 (VCV004159321.1).
Genomic context (GRCh38, chr7:93,133,474, plus strand): 5'-TCTGCCAATTTTGCACTTTCATCTGGATTCCGGGATCTCATGCAGTTTAAGATAATTACC[A>G]ATGTTTTTTCATATCGCAAATCCTTTTCTGCTAAAACGGAATGGATGGCATTTTGTAGAA-3'
Protein context (NP_689916.2, residues 823-843): AEKDLRYEKT[Leu833Ser]VIILNCMRSR

ClinVar aggregate classification (germline): Uncertain significance (1 of 4 stars; one submission).

Conditions:
Inborn genetic diseases. Identifiers: MedGen C0950123, MeSH D030342.

Submission:

Ambry Genetics
Classification: Uncertain significance for Inborn genetic diseases. Last evaluated: 2025-07-12. Review status: criteria provided, single submitter. Criteria: Ambry Variant Classification Scheme 2023. Collection method: clinical testing. Allele origin: germline.
Comment: The p.L833S variant (also known as c.2498T>C), located in coding exon 1 of the SAMD9L gene, results from a T to C substitution at nucleotide position 2498. The leucine at codon 833 is replaced by serine, an amino acid with dissimilar properties. This amino acid position is conserved. In addition, the in silico prediction for this alteration is inconclusive. Based on the available evidence, the clinical significance of this variant remains unclear.